The following is an entry in ClinVar:

ClinVar aggregate classification (germline): Benign/Likely benign. Review status: criteria provided, multiple submitters, no conflicts (2 of 4 stars). 3 submissions from 3 submitters: Benign (2); Likely benign (1). Last evaluated 2026-01-01.

Allele frequency attached by ClinVar (database versions not stated): 1000 Genomes Project 0.00300; 1000 Genomes Project 30x 0.00312; gnomAD 0.00345 and 0.00363; TOPMed 0.00351; gnomAD exomes 0.00405; ExAC 0.00410; ESP Exome Variant Server 0.00425.
gnomAD v4.1: 8,306 of 1,613,854 alleles (0.51%); highest among the groups gnomAD compares: South Asian, 0.9%; 38 homozygotes.

Submissions (3):

CeGaT Center for Human Genetics Tuebingen
Classification: Likely benign. Last evaluated: 2026-01-01. Review status: criteria provided, single submitter. Criteria: CeGaT Center For Human Genetics Tuebingen Variant Classification Criteria Version 2. Collection method: clinical testing. Allele origin: germline. Affected: yes. Observed: 7 variant alleles.
Comment: ZNF407: BP4, BP7, BS2

Labcorp Genetics (formerly Invitae), Labcorp
Classification: Benign. Last evaluated: 2019-12-31. Review status: criteria provided, single submitter. Criteria: Invitae Variant Classification Sherloc (09022015). Collection method: clinical testing. Allele origin: germline.

Breakthrough Genomics
Classification: Benign. Review status: criteria provided, single submitter. Criteria: ACMG Guidelines, 2015. Collection method: not provided. Allele origin: germline. Inheritance: Autosomal recessive inheritance. Affected: yes.

NM_017757.3(ZNF407):c.3726T>C (p.Gly1242=)

Gene: ZNF407 (zinc finger protein 407; plus strand). Cytogenetic location: 18q22.3.
Variant type: single nucleotide variant.
Coding change: c.3726T>C on transcript NM_017757.3 (MANE Select); coding-DNA position 3726, T replaced by C.
Protein change: p.Gly1242=; no amino-acid change (glycine 1242 retained).
Molecular consequence: synonymous variant.
Genome position (GRCh38, 1-based): chr18:74,634,745, T>C. VCF-style: chr18-74634745-T-C. GRCh37 (hg19) VCF-style: chr18-72346701-T-C.
Other names: c.3726T>C, p.Gly1242= (NM_001146189.1, NM_001146190.1, NM_001384475.1).
Identifiers: ClinVar variation 777278 (VCV000777278.29), dbSNP rs146635665, ClinGen allele CA9000738.